The following is an entry in ClinVar:

NM_025114.4(CEP290):c.7130-1G>A

Gene: CEP290 (centrosomal protein 290; minus strand). Cytogenetic location: 12q21.32.
Variant type: single nucleotide variant.
Coding change: c.7130-1G>A on transcript NM_025114.4 (MANE Select); the canonical splice acceptor site of the intron before coding-DNA position 7130, G replaced by A.
Molecular consequence: splice acceptor variant.
Genome position (GRCh38, 1-based): chr12:88,050,434, C>T on the plus strand (G>A on the coding strand, the complement: CEP290 is on the minus strand). VCF-style: chr12-88050434-C-T. GRCh37 (hg19) VCF-style: chr12-88444211-C-T.
Identifiers: ClinVar variation 2953572 (VCV002953572.3), dbSNP rs2499370007, ClinGen allele CA385973911.

ClinVar aggregate classification (germline): Likely pathogenic (1 of 4 stars; one submission).

Conditions:
Joubert syndrome. Also called: CEREBELLOPARENCHYMAL DISORDER IV; JOUBERT-BOLTSHAUSER SYNDROME; Familial aplasia of the vermis. Identifiers: Orphanet 475, MedGen C5979921, MONDO:0018772.
Nephronophthisis. Also called: Juvenile Nephronophthisis. Identifiers: Orphanet 655, MedGen C0687120, MONDO:0019005, HP:0000090.
Meckel-Gruber syndrome. Also called: DYSENCEPHALIA SPLANCHNOCYSTICA; GRUBER SYNDROME; Dysencephalia splachnocystica. Identifiers: Orphanet 564, MedGen C0265215, MONDO:0018921.

Allele frequency attached by ClinVar (database versions not stated): gnomAD exomes below 0.00001.
gnomAD v4.1: 1 of 1,499,318 alleles (0.000067%); highest among the groups gnomAD compares: Non-Finnish European, 0.000092%; no homozygotes.

Submission:

Labcorp Genetics (formerly Invitae), Labcorp
Classification: Likely pathogenic for Joubert syndrome; Meckel-Gruber syndrome; Nephronophthisis. Last evaluated: 2023-11-05. Review status: criteria provided, single submitter. Criteria: Invitae Variant Classification Sherloc (09022015). Collection method: clinical testing. Allele origin: germline.
Comment: This sequence change affects an acceptor splice site in intron 52 of the CEP290 gene. It is expected to disrupt RNA splicing. Variants that disrupt the donor or acceptor splice site typically lead to a loss of protein function (PMID: 16199547), and loss-of-function variants in CEP290 are known to be pathogenic (PMID: 16909394, 17345604, 20690115). This variant is not present in population databases (gnomAD no frequency). This variant has not been reported in the literature in individuals affected with CEP290-related conditions. Algorithms developed to predict the effect of sequence changes on RNA splicing suggest that this variant may disrupt the consensus splice site. In summary, the currently available evidence indicates that the variant is pathogenic, but additional data are needed to prove that conclusively. Therefore, this variant has been classified as Likely Pathogenic.

Literature cited by the submitters: PubMed 16199547; PubMed 16909394; PubMed 17345604; PubMed 20690115.